The following is an entry in ClinVar:

NM_170675.5(MEIS2):c.998G>A (p.Arg333Lys)

Gene: MEIS2 (Meis homeobox 2; minus strand). Cytogenetic location: 15q14.
Variant type: single nucleotide variant.
Coding change: c.998G>A on transcript NM_170675.5 (MANE Select); coding-DNA position 998, G replaced by A.
Protein change: p.Arg333Lys; replaces arginine 333 with lysine.
Molecular consequence: missense variant. On other transcripts: non-coding transcript variant (1).
Genome position (GRCh38, 1-based): chr15:36,896,666, C>T on the plus strand (G>A on the coding strand, the complement: MEIS2 is on the minus strand). VCF-style: chr15-36896666-C-T. GRCh37 (hg19) VCF-style: chr15-37188867-C-T.
Other names: c.998G>A, p.Arg333Lys (NM_001220482.2, NM_170674.5, NM_170676.5 and 1 more transcripts); c.959G>A, p.Arg320Lys (NM_002399.4, NM_172315.3); c.734G>A, p.Arg245Lys (NM_172316.3); short protein forms R245K, R320K, R333K.
Identifiers: ClinVar variation 4293806 (VCV004293806.1).

ClinVar aggregate classification (germline): Likely pathogenic (1 of 4 stars; one submission).

Conditions:
Cardiac malformation, cleft lip/palate, microcephaly, and digital anomalies. Also called: CLEFT PALATE, CARDIAC DEFECTS, AND IMPAIRED INTELLECTUAL DEVELOPMENT. Identifiers: MedGen C1832950, MONDO:0010970, OMIM 600987.

Submission:

3billion
Classification: Likely pathogenic for Cardiac malformation, cleft lip/palate, microcephaly, and digital anomalies. Last evaluated: 2024-12-31. Review status: criteria provided, single submitter. Criteria: ACMG Guidelines, 2015. Collection method: clinical testing. Allele origin: germline. Affected: yes.
Comment: The variant is not observed in the gnomAD v4.1.0 dataset. Predicted Consequence/Location: The variant is located in a mutational hot spot and/or well-established functional domain in which established pathogenic variants have been reported. In silico tool predictions suggest damaging effect of the variant on gene or gene product [REVEL: 0.84 (>=0.6, sensitivity 0.68 and specificity 0.92); 3Cnet: 0.99 (>=0.6, sensitivity 0.72 and precision 0.9)]. The same nucleotide change resulting in the same amino acid change has been previously reported to be associated with MEIS2-related disorder (PMID: 30291340 /3billion dataset). A different missense change at the same codon (p.Arg333Ser) has been reported to be associated with MEIS2-related disorder (ClinVar ID: VCV001709727). Therefore, this variant is classified as Likely pathogenic according to the recommendation of ACMG/AMP guideline.

Literature cited by the submitters: PubMed 30291340.